The following is an entry in ClinVar:

ClinVar aggregate classification (germline): Pathogenic (1 of 4 stars; one submission).

Submission:

Labcorp Genetics (formerly Invitae), Labcorp
Classification: Pathogenic. Last evaluated: 2022-03-13. Review status: criteria provided, single submitter. Criteria: Invitae Variant Classification Sherloc (09022015). Collection method: clinical testing. Allele origin: germline.
Comment: This sequence change creates a premature translational stop signal (p.Lys822*) in the LAMC2 gene. It is expected to result in an absent or disrupted protein product. Loss-of-function variants in LAMC2 are known to be pathogenic (PMID: 11907499, 16473856). This variant is not present in population databases (gnomAD no frequency). This premature translational stop signal has been observed in individual(s) with LAMC2-related conditions (PMID: 10660342). For these reasons, this variant has been classified as Pathogenic.

Literature cited by the submitters: PubMed 11907499; PubMed 16473856; PubMed 10660342.

NM_005562.3(LAMC2):c.2464A>T (p.Lys822Ter)

Gene: LAMC2 (laminin subunit gamma 2; plus strand). Cytogenetic location: 1q25.3.
Variant type: single nucleotide variant.
Coding change: c.2464A>T on transcript NM_005562.3 (MANE Select); coding-DNA position 2464, A replaced by T.
Protein change: p.Lys822Ter; replaces lysine 822 with a stop codon.
Molecular consequence: nonsense.
Genome position (GRCh38, 1-based): chr1:183,236,467, A>T. VCF-style: chr1-183236467-A-T. GRCh37 (hg19) VCF-style: chr1-183205602-A-T.
Other names: c.2464A>T, p.Lys822Ter (NM_018891.3); short protein forms K822*.
Identifiers: ClinVar variation 2202891 (VCV002202891.4), dbSNP rs2526112731, ClinGen allele CA343695865.